The following is an entry in ClinVar:

ClinVar aggregate classification (germline): Likely benign (0 of 4 stars; one submission).

Conditions:
PLXNA4-related disorder. Also called: PLXNA4-related condition.

gnomAD v4.1: 3 of 1,556,286 alleles (0.00019%); highest among the groups gnomAD compares: Admixed American, 0.0052%; no homozygotes.

Submission:

PreventionGenetics, part of Exact Sciences
Classification: Likely benign for PLXNA4-related condition. Last evaluated: 2021-10-21. Review status: no assertion criteria provided. Collection method: clinical testing. Allele origin: germline.
Comment: This variant is classified as likely benign based on ACMG/AMP sequence variant interpretation guidelines (Richards et al. 2015 PMID: 25741868, with internal and published modifications).

NM_020911.2(PLXNA4):c.1197C>T (p.Thr399=)

Gene: PLXNA4 (plexin A4; minus strand). Cytogenetic location: 7q32.3.
Variant type: single nucleotide variant.
Coding change: c.1197C>T on transcript NM_020911.2 (MANE Select); coding-DNA position 1197, C replaced by T.
Protein change: p.Thr399=; no amino-acid change (threonine 399 retained).
Molecular consequence: synonymous variant.
Genome position (GRCh38, 1-based): chr7:132,489,466, G>A on the plus strand (C>T on the coding strand, the complement: PLXNA4 is on the minus strand). VCF-style: chr7-132489466-G-A. GRCh37 (hg19) VCF-style: chr7-132174225-G-A.
Other names: c.1197C>T, p.Thr399= (NM_001105543.2, NM_001393897.1, NM_181775.4).
Identifiers: ClinVar variation 3355524 (VCV003355524.1).